The following is an entry in ClinVar:

ClinVar aggregate classification (germline): Uncertain significance (1 of 4 stars; one submission).

Conditions:
Inborn genetic diseases. Identifiers: MedGen C0950123, MeSH D030342.

gnomAD v4.1: 2 of 1,613,550 alleles (0.00012%); highest among the groups gnomAD compares: Admixed American, 0.0017%; no homozygotes.

Submission:

Ambry Genetics
Classification: Uncertain significance for Inborn genetic diseases. Last evaluated: 2026-08-17. Review status: criteria provided, single submitter. Criteria: Ambry Variant Classification Scheme 2023. Collection method: clinical testing. Allele origin: germline.
Comment: The p.V565M variant (also known as c.1693G>A), located in coding exon 16 of the DDX41 gene, results from a G to A substitution at nucleotide position 1693. The valine at codon 565 is replaced by methionine, an amino acid with highly similar properties. This amino acid position is highly conserved in available vertebrate species. In addition, this alteration is predicted to be tolerated by in silico analysis. Based on the available evidence, the clinical significance of this variant remains unclear.

NM_016222.4(DDX41):c.1693G>A (p.Val565Met)

Gene: DDX41 (DEAD-box helicase 41; minus strand). Cytogenetic location: 5q35.3.
Variant type: single nucleotide variant.
Coding change: c.1693G>A on transcript NM_016222.4 (MANE Select); coding-DNA position 1693, G replaced by A.
Protein change: p.Val565Met; replaces valine 565 with methionine.
Molecular consequence: missense variant.
Genome position (GRCh38, 1-based): chr5:177,512,135, C>T on the plus strand (G>A on the coding strand, the complement: DDX41 is on the minus strand). VCF-style: chr5-177512135-C-T. GRCh37 (hg19) VCF-style: chr5-176939136-C-T.
Other names: c.1315G>A, p.Val439Met (NM_001321732.2, NM_001321830.2); short protein forms V439M, V565M.
Identifiers: ClinVar variation 5035166 (VCV005035166.1).